The following is an entry in ClinVar:

ClinVar aggregate classification (germline): Pathogenic/Likely pathogenic. Review status: criteria provided, multiple submitters, no conflicts (2 of 4 stars). 3 submissions from 3 submitters: Pathogenic (1); Likely pathogenic (2). Last evaluated 2024-10-16.

Conditions:
Ornithine carbamoyltransferase deficiency (OTCD). Also called: OTC DEFICIENCY; ORNITHINE TRANSCARBAMYLASE DEFICIENCY, HYPERAMMONEMIA DUE TO; ORNITHINE TRANSCARBAMYLASE DEFICIENCY; Ornithine Carbamoyltransferase Deficiency Disease. Identifiers: Orphanet 664, MedGen C0268542, MONDO:0010703, OMIM 311250.

Submissions (3):

ARUP Laboratories, Molecular Genetics and Genomics, ARUP Laboratories
Classification: Likely pathogenic. Last evaluated: 2024-10-16. Review status: criteria provided, single submitter. Criteria: ARUP Molecular Germline Variant Investigation Process 2024. Collection method: clinical testing. Allele origin: germline.
Comment: The OTC c.1019C>T; p.Ser340Phe variant (rs1569282905, ClinVar Variation ID: 618259) is reported in an individual with ornithine carbamylase deficiency (Lu 2020). This variant is absent from the Genome Aggregation Database (v2.1.1), indicating it is not a common polymorphism. Additionally, another variant at this codon (c.1018T>C, p.Ser340Pro) has been reported in individuals with ornithine carbamylase deficiency (Gobin-Limballe 2021, Oppliger Leibundgut 1997). Complementation assays in yeast suggest Ser340Phe change renders OTC hypomorphic (Lo 2023). Computational analyses predict that this variant is deleterious (REVEL: 0.863). Based on available information, this variant is considered to be likely pathogenic. References: Gobin-Limballe S et al. OTC deficiency in females: Phenotype-genotype correlation based on a 130-family cohort. J Inherit Metab Dis. 2021 Sep. PMID: 34014569. Lo RS et al. The functional impact of 1,570 individual amino acid substitutions in human OTC. Am J Hum Genet. 2023 May 4. PMID: 37146589. Lu D et al. Clinical and molecular characteristics of 69 Chinese patients with ornithine transcarbamylase deficiency. Orphanet J Rare Dis. 2020 Dec 3. PMID: 33272297. Oppliger Leibundgut E et al. Ornithine transcarbamylase deficiency: ten new mutations and high proportion of de novo mutations in heterozygous females. Hum Mutat. 1997 PMID: 9143919.

Labcorp Genetics (formerly Invitae), Labcorp
Classification: Pathogenic for Ornithine carbamoyltransferase deficiency. Last evaluated: 2022-08-31. Review status: criteria provided, single submitter. Criteria: Invitae Variant Classification Sherloc (09022015). Collection method: clinical testing. Allele origin: germline.
Comment: For these reasons, this variant has been classified as Pathogenic. This variant disrupts the p.Ser340 amino acid residue in OTC. Other variant(s) that disrupt this residue have been observed in individuals with OTC-related conditions (PMID: 9143919), which suggests that this may be a clinically significant amino acid residue. Advanced modeling of protein sequence and biophysical properties (such as structural, functional, and spatial information, amino acid conservation, physicochemical variation, residue mobility, and thermodynamic stability) performed at Invitae indicates that this missense variant is expected to disrupt OTC protein function. ClinVar contains an entry for this variant (Variation ID: 618259). This missense change has been observed in individual(s) with ornithine transcarbamylase deficiency (PMID: 33272297; Invitae; external communication). In at least one individual the variant was observed to be de novo. This variant is not present in population databases (gnomAD no frequency). This sequence change replaces serine, which is neutral and polar, with phenylalanine, which is neutral and non-polar, at codon 340 of the OTC protein (p.Ser340Phe).

Genome-Nilou Lab
Classification: Likely pathogenic for Ornithine carbamoyltransferase deficiency. Last evaluated: 2021-11-07. Review status: criteria provided, single submitter. Criteria: ACMG Guidelines, 2015. Collection method: clinical testing. Allele origin: germline. Affected: no.

Literature cited by the submitters: PubMed 9143919 (cited by Labcorp Genetics (formerly Invitae), Labcorp); PubMed 33272297 (cited by Labcorp Genetics (formerly Invitae), Labcorp).

NM_000531.6(OTC):c.1019C>T (p.Ser340Phe)

Gene: OTC (ornithine transcarbamylase; plus strand). Cytogenetic location: Xp11.4.
Variant type: single nucleotide variant.
Coding change: c.1019C>T on transcript NM_000531.6 (MANE Select); coding-DNA position 1019, C replaced by T.
Protein change: p.Ser340Phe; replaces serine 340 with phenylalanine.
Molecular consequence: missense variant.
Genome position (GRCh38, 1-based): chrX:38,421,036, C>T. VCF-style: chrX-38421036-C-T. GRCh37 (hg19) VCF-style: chrX-38280289-C-T.
Other names: short protein forms S340F.
Identifiers: ClinVar variation 618259 (VCV000618259.19), dbSNP rs1569282905, ClinGen allele CA412728035.
Genomic context (GRCh38, chrX:38,421,036, plus strand): 5'-TGTCGCTAATGTTTATCCATTTCTTTCTTTCTTTGTTGTGTCATCAGGCTGTCATGGTGT[C>T]CCTGCTGACAGATTACTCACCTCAGCTCCAGAAGCCTAAATTTTGATGTTGTGTTACTTG-3'
Protein context (NP_000522.3, residues 330-350): RKWTIMAVMV[Ser340Phe]LLTDYSPQLQ